The following is an entry in ClinVar:

ClinVar aggregate classification (germline): Uncertain significance (1 of 4 stars; one submission).

Submission:

Labcorp Genetics (formerly Invitae), Labcorp
Classification: Uncertain significance. Last evaluated: 2023-09-20. Review status: criteria provided, single submitter. Criteria: Invitae Variant Classification Sherloc (09022015). Collection method: clinical testing. Allele origin: germline.
Comment: An algorithm developed to predict the effect of missense changes on protein structure and function (PolyPhen-2) suggests that this variant is likely to be tolerated. This variant has not been reported in the literature in individuals affected with NUP133-related conditions. This variant is not present in population databases (gnomAD no frequency). This sequence change replaces isoleucine, which is neutral and non-polar, with leucine, which is neutral and non-polar, at codon 128 of the NUP133 protein (p.Ile128Leu). In summary, the available evidence is currently insufficient to determine the role of this variant in disease. Therefore, it has been classified as a Variant of Uncertain Significance.

NM_018230.3(NUP133):c.382A>C (p.Ile128Leu)

Gene: NUP133 (nucleoporin 133; minus strand). Cytogenetic location: 1q42.13.
Variant type: single nucleotide variant.
Coding change: c.382A>C on transcript NM_018230.3 (MANE Select); coding-DNA position 382, A replaced by C.
Protein change: p.Ile128Leu; replaces isoleucine 128 with leucine.
Molecular consequence: missense variant.
Genome position (GRCh38, 1-based): chr1:229,502,022, T>G on the plus strand (A>C on the coding strand, the complement: NUP133 is on the minus strand). VCF-style: chr1-229502022-T-G. GRCh37 (hg19) VCF-style: chr1-229637769-T-G.
Other names: short protein forms I128L.
Identifiers: ClinVar variation 2796199 (VCV002796199.3), dbSNP rs2527578441, ClinGen allele CA345170550.